The following is an entry in ClinVar:

ClinVar aggregate classification (germline): Pathogenic. Review status: criteria provided, multiple submitters, no conflicts (2 of 4 stars). 4 submissions from 4 submitters: Pathogenic (4). Last evaluated 2026-07-17.

Conditions:
Wolfram syndrome 1 (WFS1). Identifiers: Orphanet 3463, MedGen C4551693, MONDO:0009101, OMIM 222300.
WFS1-related disorder. Identifiers: MedGen CN379391, MONDO:0700293.

Submissions (4):

Metabolic Disorders Research Center, Endocrinology and Metabolism Molecular-Cellular Sciences, Tehran University of Medical Sciences
Classification: Pathogenic for Wolfram syndrome 1. Last evaluated: 2026-07-17. Review status: criteria provided, single submitter. Criteria: ACMG Guidelines, 2015. Collection method: clinical testing. Allele origin: germline. Inheritance: Autosomal recessive inheritance. Affected: yes. Observed: 1 variant allele.
Comment: Frameshift variant (p.Ser411CysfsTer131) resulting in a premature stop codon. Evidence codes: PVS1, PS4, PM2

Shanghai Diabetes Institute, Shanghai Sixth People's Hospital Affiliated to Shanghai Jiao Tong University School of Medicine
Classification: Pathogenic for Wolfram syndrome 1. Last evaluated: 2024-09-23. Review status: criteria provided, single submitter. Criteria: ACMG Guidelines, 2015. Collection method: curation. Allele origin: germline. Affected: yes. Observed: 3 variant alleles.
Comment: A total of 12 members from a diabetic family were included in the study, comprising the proband's sister, father, mother, grandfather, grandmother, uncle, aunt, maternal grandfather, maternal grandmother, older maternal uncle, and younger maternal uncle. Clinical data from the study subjects were collected. Whole exome sequencing was used to screen for causative genes and their mutation sites in six members of the family, and the findings were validated by Sanger sequencing. NM_006005.3:c.1228_1229del is a frameshift mutation in the WFS1 gene. Although the position of the nucleotide change is slightly different，this frameshift variant leads to the same amino acid change as a previously reported pathogenic variant (Variant ID: 2203516) (PS1, PM4). The mutation is not present in public databases such as the 1000 Genomes Project, ExAC, gnomAD, and ESP6500 (PM2), and multiple bioinformatics software predict it to be a damaging variant (PP3). In summary, this variant meets criteria to be classified as pathogenic for Wolfram syndrome based on the ACMG/AMP criteria applied, as specified by PS1, PS1, PM2, PP3, PP4.

Labcorp Genetics (formerly Invitae), Labcorp
Classification: Pathogenic. Last evaluated: 2022-08-24. Review status: criteria provided, single submitter. Criteria: Invitae Variant Classification Sherloc (09022015). Collection method: clinical testing. Allele origin: germline.
Comment: For these reasons, this variant has been classified as Pathogenic. This variant disrupts a region of the WFS1 protein in which other variant(s) (p.Glu752*) have been determined to be pathogenic (PMID: 15277431, 23981289). This suggests that this is a clinically significant region of the protein, and that variants that disrupt it are likely to be disease-causing. This premature translational stop signal has been observed in individuals with Wolfram syndrome (PMID: 15605410, 31937257). This variant is present in population databases (no rsID available, gnomAD 0.007%). This sequence change creates a premature translational stop signal (p.Ser411Cysfs*131) in the WFS1 gene. While this is not anticipated to result in nonsense mediated decay, it is expected to disrupt the last 480 amino acid(s) of the WFS1 protein.

Blueprint Genetics
Classification: Pathogenic for WFS1-related disorders. Last evaluated: 2017-10-23. Review status: criteria provided, single submitter. Criteria: ACMG Guidelines, 2015. Collection method: clinical testing. Allele origin: germline. Affected: yes. Observed: 1 variant allele.

Literature cited by the submitters: PubMed 15277431 (cited by Labcorp Genetics (formerly Invitae), Labcorp); PubMed 23981289 (cited by Labcorp Genetics (formerly Invitae), Labcorp); PubMed 15605410 (cited by Labcorp Genetics (formerly Invitae), Labcorp); PubMed 31937257 (cited by Labcorp Genetics (formerly Invitae), Labcorp).

NM_006005.3(WFS1):c.1232_1233del (p.Ser411fs)

Gene: WFS1 (wolframin ER transmembrane glycoprotein; plus strand). Cytogenetic location: 4p16.1.
Variant type: Microsatellite.
Coding change: c.1232_1233del on transcript NM_006005.3 (MANE Select); coding-DNA positions 1232 to 1233, 2 bases deleted (CT; older notation c.1232_1233delCT).
Protein change: p.Ser411fs; shifts the reading frame from serine 411.
Molecular consequence: frameshift variant.
Genome position (GRCh38, 1-based): chr4:6,301,027-6,301,028, CT deleted; deleting any 2 consecutive bases within chr4:6,301,023-6,301,028 gives the same sequence; the c. name uses the placement nearest the transcript's 3' end. VCF-style (leftmost placement, unchanged base first): chr4-6301022-GCT-G. GRCh37 (hg19) VCF-style: chr4-6302749-GCT-G.
Other names: c.1228_1229del (NM_006005.3); c.1232_1233del, p.Ser411fs (NM_001145853.1); short protein forms S411fs.
Identifiers: ClinVar variation 2203516 (VCV002203516.7), dbSNP rs760337383, ClinGen allele CA549707907.